The following is an entry in ClinVar:

ClinVar aggregate classification (germline): Conflicting classifications of pathogenicity. Review status: criteria provided, conflicting classifications (1 of 4 stars). 2 submissions from 2 submitters: Uncertain significance (1); Likely benign (1). Last evaluated 2025-05-04.

gnomAD v4.1: 16 of 1,611,496 alleles (0.00099%); highest among the groups gnomAD compares: Admixed American, 0.0017%; no homozygotes.

Submissions (2):

Ambry Genetics
Classification: Uncertain significance. Last evaluated: 2025-05-04. Review status: criteria provided, single submitter. Criteria: Ambry Variant Classification Scheme 2023. Collection method: clinical testing. Allele origin: germline.

CeGaT Center for Human Genetics Tuebingen
Classification: Likely benign. Last evaluated: 2022-10-01. Review status: criteria provided, single submitter. Criteria: CeGaT Center For Human Genetics Tuebingen Variant Classification Criteria Version 2. Collection method: clinical testing. Allele origin: germline. Affected: yes. Observed: 1 variant allele.
Comment: KLRB1: BP4

NM_002258.3(KLRB1):c.73T>A (p.Ser25Thr)

Gene: KLRB1 (killer cell lectin like receptor B1; minus strand). Cytogenetic location: 12p13.31.
Variant type: single nucleotide variant.
Coding change: c.73T>A on transcript NM_002258.3 (MANE Select); coding-DNA position 73, T replaced by A.
Protein change: p.Ser25Thr; replaces serine 25 with threonine.
Molecular consequence: missense variant.
Genome position (GRCh38, 1-based): chr12:9,607,767, A>T on the plus strand (T>A on the coding strand, the complement: KLRB1 is on the minus strand). VCF-style: chr12-9607767-A-T. GRCh37 (hg19) VCF-style: chr12-9760363-A-T.
Other names: c.73T>A (NM_002258.2); short protein forms S25T.
Identifiers: ClinVar variation 2642697 (VCV002642697.24), dbSNP rs779033858, ClinGen allele CA6441422.